The following is an entry in ClinVar:

NC_000013.11:g.32315358_32316294del

Genes: BRCA2 (BRCA2 DNA repair associated; plus strand), ZAR1L (zygote arrest 1 like; minus strand), LOC106721785 (BRCA2 promoter/silencer region; plus strand), LOC130009523 (ATAC-STARR-seq lymphoblastoid active region 7554; plus strand). Cytogenetic location: 13q13.1.
Variant type: Deletion.
Genome position: GRCh38: chr13:32,315,358-32,316,294. GRCh37 (hg19): chr13:32,889,495-32,890,431.
Identifiers: ClinVar variation 873424 (VCV000873424.2), dbSNP rs2072242904, ClinGen allele CA1139663037.

ClinVar aggregate classification (germline): Pathogenic (0 of 4 stars; one submission).

Conditions:
Breast-ovarian cancer, familial, susceptibility to, 2 (BROVCA2). Also called: BRCA2 Hereditary Breast and Ovarian Cancer. Identifiers: Orphanet 145, MedGen C2675520, MONDO:0012933, OMIM 612555. Disease mechanism: loss of function.
Hereditary breast ovarian cancer syndrome. Also called: Hereditary breast and ovarian cancer syndrome; BRCA1- and BRCA2-Associated Hereditary Breast and Ovarian Cancer; Hereditary breast and/or ovarian cancer syndrome; Breast and ovarian cancer; Hereditary breast and ovarian cancer; Hereditary breast and ovarian cancer syndrome (HBOC). Identifiers: Orphanet 145, MedGen C0677776, MeSH D061325, MONDO:0003582. Disease mechanism: loss of function.

Submission:

King Laboratory, University of Washington
Classification: Pathogenic for Hereditary breast and ovarian cancer syndrome; Breast-ovarian cancer, familial 2. Last evaluated: 2019-09-01. Review status: no assertion criteria provided. Collection method: research. Allele origin: germline. Affected: yes.
Comment: Transcript analysis by cBROCA

Literature cited by the submitters: PubMed 31843900.